The following is an entry in ClinVar:

ClinVar aggregate classification (germline): Benign (0 of 4 stars; one submission).

Conditions:
CELF4-related disorder. Also called: CELF4-related condition.

Allele frequency attached by ClinVar (database versions not stated): 1000 Genomes Project 30x 0.00562; 1000 Genomes Project 0.00579; TOPMed 0.01008; gnomAD 0.01236; ExAC 0.01237; ESP Exome Variant Server 0.01384; gnomAD exomes 0.01500.
gnomAD v4.1: 23,773 of 1,611,006 alleles (1.5%); highest among the groups gnomAD compares: Middle Eastern, 2.6%; 266 homozygotes.

Submission:

PreventionGenetics, part of Exact Sciences
Classification: Benign for CELF4-related condition. Last evaluated: 2019-03-01. Review status: no assertion criteria provided. Collection method: clinical testing. Allele origin: germline.
Comment: This variant is classified as benign based on ACMG/AMP sequence variant interpretation guidelines (Richards et al. 2015 PMID: 25741868, with internal and published modifications).

NM_020180.4(CELF4):c.801+7G>A

Gene: CELF4 (CUGBP Elav-like family member 4; minus strand). Cytogenetic location: 18q12.2.
Variant type: single nucleotide variant.
Coding change: c.801+7G>A on transcript NM_020180.4 (MANE Select); 7 bases into the intron after coding-DNA position 801, G replaced by A.
Molecular consequence: intron variant.
Genome position (GRCh38, 1-based): chr18:37,274,304, C>T on the plus strand (G>A on the coding strand, the complement: CELF4 is on the minus strand). VCF-style: chr18-37274304-C-T. GRCh37 (hg19) VCF-style: chr18-34854267-C-T.
Other names: c.768+7G>A (NM_001353733.2, NM_001353722.2, NM_001353711.2 and 16 more transcripts); c.771+7G>A (NM_001353750.2, NM_001353699.2, NM_001353721.2 and 12 more transcripts); c.798+7G>A (NM_001353712.2, NM_001353716.2, NM_001353702.2 and 12 more transcripts); c.801+7G>A (NM_001353747.2, NM_001353745.2, NM_001353723.2 and 11 more transcripts); c.399+7G>A (NM_001353758.2, NM_001353759.2); c.402+7G>A (NM_001353760.2, NM_001353757.2); c.429+7G>A (NM_001353761.2, NM_001353756.2).
Identifiers: ClinVar variation 3037495 (VCV003037495.2), dbSNP rs143810394, ClinGen allele CA8943602.